The following is an entry in ClinVar:

NM_001267550.2(TTN):c.56019T>C (p.Thr18673=)

Genes: TTN (titin; minus strand), TTN-AS1 (TTN antisense RNA 1; plus strand). Cytogenetic location: 2q31.2.
Variant type: single nucleotide variant.
Coding change: c.56019T>C on transcript NM_001267550.2 (MANE Select); coding-DNA position 56019, T replaced by C.
Protein change: p.Thr18673=; no amino-acid change (threonine 18673 retained).
Molecular consequence: synonymous variant.
Genome position (GRCh38, 1-based): chr2:178,600,885, A>G on the plus strand (T>C on the coding strand, the complement: TTN is on the minus strand). VCF-style: chr2-178600885-A-G. GRCh37 (hg19) VCF-style: chr2-179465612-A-G.
Other names: c.48315T>C, p.Thr16105= (NM_133378.4); c.51096T>C, p.Thr17032= (NM_001256850.1); c.28824T>C, p.Thr9608= (NM_003319.4); c.29199T>C, p.Thr9733= (NM_133432.3); c.29400T>C, p.Thr9800= (NM_133437.4).
Identifiers: ClinVar variation 283664 (VCV000283664.52), dbSNP rs183047238, ClinGen allele CA1993342.
Genomic context (GRCh38, chr2:178,600,885, plus strand): 5'-ACATTCTTTGTCAGTACATTGGTACTTACATGTCTGGTCTTTGACAGTCACAGGGCCAAC[A>G]GTGGCTGAAGGCTTGCTGACTCCTGCAGCATTGACAGCTTTGACTCGGAATTCATATTCC-3'
Protein context (NP_001254479.2, residues 18663-18683): NAAGVSKPSA[Thr18673=]VGPVTVKDQT

ClinVar aggregate classification (germline): Conflicting classifications of pathogenicity. Review status: criteria provided, conflicting classifications (1 of 4 stars). 10 submissions from 10 submitters: Uncertain significance (1); Likely benign (7). 2 of the submissions do not count toward it. Last evaluated 2026-06-01.

Conditions:
Cardiovascular phenotype. Identifiers: MedGen CN230736.
TTN-related disorder. Also called: TTN-related disorders; TTN-related condition; TTN-related disease.
Autosomal recessive limb-girdle muscular dystrophy type 2J (LGMDR10). Also called: Limb-girdle muscular dystrophy, type 2J; MUSCULAR DYSTROPHY, LIMB-GIRDLE, AUTOSOMAL RECESSIVE 10. Identifiers: Orphanet 140922, MedGen C1837342, MONDO:0012127, OMIM 608807.
Dilated cardiomyopathy 1G (CMD1G). Identifiers: Orphanet 154, MedGen C1858763, MONDO:0011400, OMIM 604145.
Cardiomyopathy (CMYO). Also called: Cardiomyopathies. Identifiers: Orphanet 167848, MedGen C0878544, MONDO:0004994, HP:0001638. Inheritance: Various modes of inheritance.

Allele frequency attached by ClinVar (database versions not stated): gnomAD exomes 0.00004; ExAC 0.00007; gnomAD 0.00007; ESP Exome Variant Server 0.00008; TOPMed 0.00011; 1000 Genomes Project 30x 0.00031; 1000 Genomes Project 0.00040.
gnomAD v4.1: 82 of 1,612,878 alleles (0.0051%); highest among the groups gnomAD compares: African/African-American, 0.063%; 1 homozygote.

Submissions (10):

CeGaT Center for Human Genetics Tuebingen
Classification: Likely benign. Last evaluated: 2026-06-01. Review status: criteria provided, single submitter. Criteria: CeGaT Center For Human Genetics Tuebingen Variant Classification Criteria Version 2. Collection method: clinical testing. Allele origin: germline. Affected: yes. Observed: 6 variant alleles.
Comment: TTN: BP4, BP7

Labcorp Genetics (formerly Invitae), Labcorp
Classification: Likely benign for Dilated cardiomyopathy 1G; Autosomal recessive limb-girdle muscular dystrophy type 2J. Last evaluated: 2026-01-05. Review status: criteria provided, single submitter. Criteria: Invitae Variant Classification Sherloc (09022015). Collection method: clinical testing. Allele origin: germline.

PreventionGenetics, part of Exact Sciences
Classification: Likely benign for TTN-related condition. Last evaluated: 2025-02-26. Review status: criteria provided, single submitter. Criteria: ACMG Guidelines, 2015. Collection method: clinical testing. Allele origin: germline.
Comment: This variant is classified as likely benign based on ACMG/AMP sequence variant interpretation guidelines (Richards et al. 2015 PMID: 25741868, with internal and published modifications).

Blueprint Genetics
Classification: Likely benign. Last evaluated: 2024-09-16. Review status: criteria provided, single submitter. Criteria: ACMG Guidelines, 2015. Collection method: clinical testing. Allele origin: germline.

CHEO Genetics Diagnostic Laboratory, Children's Hospital of Eastern Ontario
Classification: Likely benign for Cardiomyopathy. Last evaluated: 2021-09-23. Review status: criteria provided, single submitter. Criteria: ACMG Guidelines, 2015. Collection method: clinical testing. Allele origin: germline.

Ambry Genetics
Classification: Likely benign for Cardiovascular phenotype. Last evaluated: 2019-07-30. Review status: criteria provided, single submitter. Criteria: Ambry Variant Classification Scheme 2023. Collection method: clinical testing. Allele origin: germline.

Laboratory for Molecular Medicine, Mass General Brigham Personalized Medicine
Classification: Likely benign. Last evaluated: 2017-06-01. Review status: criteria provided, single submitter. Criteria: LMM Criteria. Collection method: clinical testing. Allele origin: germline. Observed: 1 variant allele.
Comment: p.Thr16105Thr in exon 237 of TTN: This variant is not expected to have clinical significance because it does not alter an amino acid residue and is not located within the splice consensus sequence. It has been identified in 7/34352 Latino c hromosomes by the Genome Aggregation Database (gnomAD; dbSNP rs183047238).

Eurofins Ntd Llc (ga)
Classification: Uncertain significance. Last evaluated: 2015-09-27. Review status: criteria provided, single submitter. Criteria: EGL Classification Definitions 2015. Collection method: clinical testing. Allele origin: germline. Observed: 1 variant allele, 1 heterozygote.

Clinical Genetics DNA and cytogenetics Diagnostics Lab, Erasmus MC, Erasmus Medical Center
Classification: Likely benign. Review status: no assertion criteria provided. Collection method: clinical testing. Allele origin: germline. Affected: yes. Study: VKGL Data-share Consensus. Not counted in ClinVar's aggregate classification.

Diagnostic Laboratory, Department of Genetics, University Medical Center Groningen
Classification: Likely benign. Review status: no assertion criteria provided. Collection method: clinical testing. Allele origin: germline. Affected: yes. Study: VKGL Data-share Consensus. Not counted in ClinVar's aggregate classification.